The following is an entry in ClinVar:

NM_002485.5(NBN):c.56dup (p.Leu19fs)

Gene: NBN (nibrin; minus strand). Cytogenetic location: 8q21.3.
Variant type: Duplication.
Coding change: c.56dup on transcript NM_002485.5 (MANE Select); coding-DNA position 56, one base duplicated (T; older notation c.56dupT).
Protein change: p.Leu19fs; shifts the reading frame from leucine 19.
Molecular consequence: frameshift variant. On other transcripts: 5 prime UTR variant (3).
Genome position (GRCh38, 1-based): chr8:89,982,837, A duplicated on the plus strand (T on the coding strand, the reverse complement: NBN is on the minus strand); the first of 4 consecutive A bases (chr8:89,982,837-89,982,840); duplicating any one gives the same sequence. VCF-style (leftmost placement, unchanged base first): chr8-89982836-C-CA. GRCh37 (hg19) VCF-style: chr8-90995064-C-CA.
Other names: c.56dup (NM_002485.4); c.-241dup (NM_001024688.3, NM_001440380.1); c.-191dup (NM_001440379.1); short protein forms L19fs.
Identifiers: ClinVar variation 4815068 (VCV004815068.1).

ClinVar aggregate classification (germline): Likely pathogenic (1 of 4 stars; one submission).

Conditions:
Microcephaly, normal intelligence and immunodeficiency (NBS). Also called: Nijmegen breakage syndrome; Microcephaly with normal intelligence immunodeficiency and lymphoreticular malignancies; Nonsyndromal microcephaly autosomal recessive with normal intelligence; Seemanova syndrome 2; BERLIN BREAKAGE SYNDROME; Ataxia telangiectasia variant V1. Identifiers: Orphanet 647, MedGen C0398791, MONDO:0009623, OMIM 251260.

Submission:

Natera, Inc.
Classification: Likely pathogenic for Nijmegen breakage syndrome. Last evaluated: 2024-10-03. Review status: criteria provided, single submitter. Criteria: Natera Variant Classification Schema (03/2026). Collection method: clinical testing. Allele origin: germline.
Comment: The c.56dup variant in NBN is a frameshift variant predicted to shift the reading frame beginning at codon 19 and leads to a stop codon 5 codons downstream. This variant is expected to result in nonsense mediated decay, truncation, or a dysfunctional protein product. This variant is rare in the general population with a frequency below the threshold expected for the associated phenotype(s). Given the available evidence, this variant is classified as Likely Pathogenic.